The following is an entry in ClinVar:

ClinVar aggregate classification (germline): Likely pathogenic (1 of 4 stars; one submission).

Submission:

GeneDx
Classification: Likely pathogenic. Last evaluated: 2022-11-28. Review status: criteria provided, single submitter. Criteria: GeneDx Variant Classification Process June 2021. Collection method: clinical testing. Allele origin: germline. Affected: yes.
Comment: Not observed at significant frequency in large population cohorts (gnomAD); In silico analysis supports that this missense variant has a deleterious effect on protein structure/function; Has not been previously published as pathogenic or benign to our knowledge

NM_001081550.2(THOC2):c.2788C>T (p.Arg930Cys)

Gene: THOC2 (THO complex subunit 2; minus strand). Cytogenetic location: Xq25.
Variant type: single nucleotide variant.
Coding change: c.2788C>T on transcript NM_001081550.2 (MANE Select); coding-DNA position 2788, C replaced by T.
Protein change: p.Arg930Cys; replaces arginine 930 with cysteine.
Molecular consequence: missense variant.
Genome position (GRCh38, 1-based): chrX:123,626,632, G>A on the plus strand (C>T on the coding strand, the complement: THOC2 is on the minus strand). VCF-style: chrX-123626632-G-A. GRCh37 (hg19) VCF-style: chrX-122760483-G-A.
Other names: short protein forms R930C.
Identifiers: ClinVar variation 1801970 (VCV001801970.1), dbSNP rs2521056003, ClinGen allele CA414266536.
Genomic context (GRCh38, chrX:123,626,632, plus strand): 5'-GTACATGTTCCATCTGTTTCTTTTCTTCTTCAAGAAGCTTGTCCTGAAGGGCAGTACAGC[G>A]CTCCTTCTCTTTTTTCTTTTTATTTGGGGGCTACAAAGAATTCAATTAGACACTTTTCTA-3'
Protein context (NP_001075019.1, residues 920-940): PPNKKKKEKE[Arg930Cys]CTALQDKLLE